The following is an entry in ClinVar:

NM_020975.6(RET):c.68G>A (p.Gly23Asp)

Gene: RET (ret proto-oncogene; plus strand). Cytogenetic location: 10q11.21.
Variant type: single nucleotide variant.
Coding change: c.68G>A on transcript NM_020975.6 (MANE Select); coding-DNA position 68, G replaced by A.
Protein change: p.Gly23Asp; replaces glycine 23 with aspartic acid.
Molecular consequence: missense variant.
Genome position (GRCh38, 1-based): chr10:43,077,326, G>A. VCF-style: chr10-43077326-G-A. GRCh37 (hg19) VCF-style: chr10-43572774-G-A.
Other names: c.68G>A, p.Gly23Asp (NM_000323.2, NM_001406743.1, NM_001406744.1 and 38 more transcripts); short protein forms G23D.
Identifiers: ClinVar variation 486342 (VCV000486342.14), dbSNP rs1554815546, ClinGen allele CA376768119.

ClinVar aggregate classification (germline): Uncertain significance. Review status: criteria provided, multiple submitters, no conflicts (2 of 4 stars). 2 submissions from 2 submitters: Uncertain significance (2). Last evaluated 2023-05-26.

Conditions:
Multiple endocrine neoplasia, type 2 (MEN2). Identifiers: Orphanet 653, MedGen C4048306, MONDO:0019003. Disease mechanism: gain of function.
Hereditary cancer-predisposing syndrome. Also called: Tumor predisposition; Hereditary Cancer Syndrome; Hereditary neoplastic syndrome; Neoplastic Syndromes, Hereditary. Identifiers: Orphanet 140162, MedGen C0027672, MeSH D009386, MONDO:0015356.

gnomAD v4.1: 4 of 1,510,788 alleles (0.00026%); highest among the groups gnomAD compares: South Asian, 0.0012%; no homozygotes.

Submissions (2):

Labcorp Genetics (formerly Invitae), Labcorp
Classification: Uncertain significance for Multiple endocrine neoplasia, type 2. Last evaluated: 2023-05-26. Review status: criteria provided, single submitter. Criteria: Invitae Variant Classification Sherloc (09022015). Collection method: clinical testing. Allele origin: germline.
Comment: This variant has not been reported in the literature in individuals affected with RET-related conditions. ClinVar contains an entry for this variant (Variation ID: 486342). An algorithm developed to predict the effect of missense changes on protein structure and function (PolyPhen-2) suggests that this variant is likely to be disruptive. In summary, the available evidence is currently insufficient to determine the role of this variant in disease. Therefore, it has been classified as a Variant of Uncertain Significance. This variant is not present in population databases (gnomAD no frequency). This sequence change replaces glycine, which is neutral and non-polar, with aspartic acid, which is acidic and polar, at codon 23 of the RET protein (p.Gly23Asp).

Ambry Genetics
Classification: Uncertain significance for Hereditary cancer-predisposing syndrome. Last evaluated: 2016-05-23. Review status: criteria provided, single submitter. Criteria: Ambry Variant Classification Scheme 2023. Collection method: clinical testing. Allele origin: germline.
Comment: The p.G23D variant (also known as c.68G>A), located in coding exon 1 of the RET gene, results from a G to A substitution at nucleotide position 68. The glycine at codon 23 is replaced by aspartic acid, an amino acid with similar properties. This variant was not reported in population based cohorts in the following databases: Database of Single Nucleotide Polymorphisms (dbSNP), NHLBI Exome Sequencing Project (ESP), and 1000 Genomes Project. In the ESP, this variant was not observed in 3507 samples (7014 alleles) with coverage at this position. To date, this alteration has been detected with an allele frequency of approximately 0.005% (greater than 20000 alleles tested) in our clinical cohort. This amino acid position is highly conserved in available vertebrate species. In addition, the in silico prediction for this alteration is inconclusive. Since supporting evidence is limited at this time, the clinical significance of this alteration remains unclear.